The following is an entry in ClinVar:

ClinVar aggregate classification (germline): Pathogenic. Review status: criteria provided, multiple submitters, no conflicts (2 of 4 stars). 3 submissions from 3 submitters: Pathogenic (2). 1 of the submissions does not count toward it. Last evaluated 2026-02-16.

Conditions:
Amelogenesis imperfecta type 1A. Also called: AMELOGENESIS IMPERFECTA, HYPOPLASTIC TYPE IA; Amelogenesis imperfecta local hypoplastic; Amelogenesis imperfecta, hypoplastic type; Amelogenesis imperfecta, type IA. Identifiers: Orphanet 88661, MedGen C4011403, MONDO:0007094, OMIM 104530.
COL17A1-related disorder. Also called: COL17A1-related condition.

Submissions (3):

PreventionGenetics, part of Exact Sciences
Classification: Pathogenic for COL17A1-related condition. Last evaluated: 2026-02-16. Review status: criteria provided, single submitter. Criteria: ACMG Guidelines, 2015. Collection method: clinical testing. Allele origin: germline.
Comment: The COL17A1 c.3456delG variant is predicted to result in a frameshift and premature protein termination (p.Pro1154Leufs*97). This variant has been reported in the heterozygous state in the affected members of two families with amelogenesis imperfecta (F13 and F14 in Hany et al. 2024. PubMed ID: 37979963). This variant is reported in 0.0018% of alleles in individuals of European (Non-Finnish) descent in gnomAD. Frameshift variants in COL17A1 are expected to be pathogenic. This variant is interpreted as pathogenic.

Labcorp Genetics (formerly Invitae), Labcorp
Classification: Pathogenic. Last evaluated: 2024-01-22. Review status: criteria provided, single submitter. Criteria: Invitae Variant Classification Sherloc (09022015). Collection method: clinical testing. Allele origin: germline.
Comment: This sequence change creates a premature translational stop signal (p.Pro1154Leufs*97) in the COL17A1 gene. It is expected to result in an absent or disrupted protein product. Loss-of-function variants in COL17A1 are known to be pathogenic (PMID: 16473856, 17344927, 20301304, 21357940, 24319098). This variant is present in population databases (rs771188543, gnomAD 0.002%). This variant has not been reported in the literature in individuals affected with COL17A1-related conditions. ClinVar contains an entry for this variant (Variation ID: 2572031). For these reasons, this variant has been classified as Pathogenic.

Leeds Amelogenesis Imperfecta Research Group, University of Leeds
Classification: Pathogenic for Amelogenesis imperfecta type 1A. Last evaluated: 2023-07-12. Review status: no assertion criteria provided. Collection method: research. Allele origin: unknown. Inheritance: Autosomal dominant inheritance. Affected: yes. Not counted in ClinVar's aggregate classification.

Literature cited by the submitters: PubMed 16473856 (cited by Labcorp Genetics (formerly Invitae), Labcorp); PubMed 17344927 (cited by Labcorp Genetics (formerly Invitae), Labcorp); PubMed 20301304 (cited by Labcorp Genetics (formerly Invitae), Labcorp); PubMed 21357940 (cited by Labcorp Genetics (formerly Invitae), Labcorp); PubMed 24319098 (cited by Labcorp Genetics (formerly Invitae), Labcorp).

NM_000494.4(COL17A1):c.3456del (p.Pro1154fs)

Gene: COL17A1 (collagen type XVII alpha 1 chain; minus strand). Cytogenetic location: 10q25.1.
Variant type: Deletion.
Coding change: c.3456del on transcript NM_000494.4 (MANE Select); coding-DNA position 3456, one base deleted (G; older notation c.3456delG).
Protein change: p.Pro1154fs; shifts the reading frame from proline 1154.
Molecular consequence: frameshift variant.
Genome position (GRCh38, 1-based): chr10:104,035,526, C deleted on the plus strand (G on the coding strand, the reverse complement: COL17A1 is on the minus strand); the first of 4 consecutive C bases (chr10:104,035,526-104,035,529); deleting any one gives the same sequence. VCF-style (leftmost placement, unchanged base first): chr10-104035525-GC-G. GRCh37 (hg19) VCF-style: chr10-105795283-GC-G.
Other names: c.3456delG (NM_000494.3); short protein forms P1154fs.
Identifiers: ClinVar variation 2572031 (VCV002572031.6), dbSNP rs771188543, ClinGen allele CA5677960.